The following is an entry in ClinVar:

ClinVar aggregate classification (germline): Benign (1 of 4 stars; one submission).

Conditions:
Parietal foramina 2 (PFM2). Identifiers: Orphanet 60015, MedGen C1865044, MONDO:0012309, OMIM 609597.

Allele frequency attached by ClinVar (database versions not stated): TOPMed 0.00029; 1000 Genomes Project 30x 0.00250; 1000 Genomes Project 0.00300.

Submission:

Illumina Laboratory Services, Illumina
Classification: Benign for Parietal foramina 2. Last evaluated: 2018-01-13. Review status: criteria provided, single submitter. Criteria: ICSL Variant Classification Criteria 13 December 2019. Collection method: clinical testing. Allele origin: germline.
Comment: This variant was observed in the ICSL laboratory as part of a predisposition screen in an ostensibly healthy population. It had not been previously curated by ICSL or reported in the Human Gene Mutation Database (HGMD: prior to June 1st, 2018), and was therefore a candidate for classification through an automated scoring system. Utilizing variant allele frequency, disease prevalence and penetrance estimates, and inheritance mode, an automated score was calculated to assess if this variant is too frequent to cause the disease. Based on the score and internal cut-off values, a variant classified as benign is not then subjected to further curation. The score for this variant resulted in a classification of benign for this disease.

NM_021926.4(ALX4):c.*1532G>A

Gene: ALX4 (ALX homeobox 4; minus strand). Cytogenetic location: 11p11.2.
Variant type: single nucleotide variant.
Coding change: c.*1532G>A on transcript NM_021926.4 (MANE Select); 1532 bases downstream of the stop codon, G replaced by A.
Molecular consequence: 3 prime UTR variant.
Genome position (GRCh38, 1-based): chr11:44,263,322, C>T on the plus strand (G>A on the coding strand, the complement: ALX4 is on the minus strand). VCF-style: chr11-44263322-C-T. GRCh37 (hg19) VCF-style: chr11-44284872-C-T.
Other names: c.*1532G>A (LRG_1256t1).
Identifiers: ClinVar variation 304653 (VCV000304653.5), dbSNP rs373805569, ClinGen allele CA10634880.